The following is an entry in ClinVar:

ClinVar aggregate classification (germline): Pathogenic (1 of 4 stars; one submission).

Submission:

Labcorp Genetics (formerly Invitae), Labcorp
Classification: Pathogenic. Last evaluated: 2023-02-04. Review status: criteria provided, single submitter. Criteria: Invitae Variant Classification Sherloc (09022015). Collection method: clinical testing. Allele origin: germline.
Comment: For these reasons, this variant has been classified as Pathogenic. This variant has not been reported in the literature in individuals affected with USH1G-related conditions. This variant is not present in population databases (gnomAD no frequency). This sequence change creates a premature translational stop signal (p.Leu433Trpfs*11) in the USH1G gene. It is expected to result in an absent or disrupted protein product. Loss-of-function variants in USH1G are known to be pathogenic (PMID: 12588794, 22219650).

Literature cited by the submitters: PubMed 12588794; PubMed 22219650.

NM_173477.5(USH1G):c.1297del (p.Leu433fs)

Genes: USH1G (USH1 protein network component sans; minus strand), LOC130061627 (ATAC-STARR-seq lymphoblastoid active region 12722; plus strand). Cytogenetic location: 17q25.1.
Variant type: Deletion.
Coding change: c.1297del on transcript NM_173477.5 (MANE Select); coding-DNA position 1297, one base deleted (C; older notation c.1297delC).
Protein change: p.Leu433fs; shifts the reading frame from leucine 433.
Molecular consequence: frameshift variant.
Genome position (GRCh38, 1-based): chr17:74,919,539, G deleted on the plus strand (C on the coding strand, the reverse complement: USH1G is on the minus strand). VCF-style (leftmost placement, unchanged base first): chr17-74919538-AG-A. GRCh37 (hg19) VCF-style: chr17-72915633-AG-A.
Other names: c.988del, p.Leu330fs (NM_001282489.3); short protein forms L330fs, L433fs.
Identifiers: ClinVar variation 2834574 (VCV002834574.3), dbSNP rs2544427492, ClinGen allele CA2739268362.